The following is an entry in ClinVar:

ClinVar aggregate classification (germline): Pathogenic (1 of 4 stars; one submission).

Submission:

Labcorp Genetics (formerly Invitae), Labcorp
Classification: Pathogenic. Last evaluated: 2024-05-23. Review status: criteria provided, single submitter. Criteria: Invitae Variant Classification Sherloc (09022015). Collection method: clinical testing. Allele origin: germline.
Comment: This sequence change creates a premature translational stop signal (p.Pro73Argfs*11) in the POU4F3 gene. While this is not anticipated to result in nonsense mediated decay, it is expected to disrupt the last 266 amino acid(s) of the POU4F3 protein. This variant is not present in population databases (gnomAD no frequency). This variant has not been reported in the literature in individuals affected with POU4F3-related conditions. This variant disrupts a region of the POU4F3 protein in which other variant(s) (p.Leu201Pro) have been determined to be pathogenic (PMID: 29850532, 34250087). This suggests that this is a clinically significant region of the protein, and that variants that disrupt it are likely to be disease-causing. For these reasons, this variant has been classified as Pathogenic.

Literature cited by the submitters: PubMed 29850532; PubMed 34250087.

NM_002700.3(POU4F3):c.218del (p.Pro73fs)

Genes: POU4F3 (POU class 4 homeobox 3; plus strand), RBM27-POU4F3 (RBM27-POU4F3 readthrough; plus strand). Cytogenetic location: 5q32.
Variant type: Deletion.
Coding change: c.218del on transcript NM_002700.3 (MANE Select); coding-DNA position 218, one base deleted (C; older notation c.218delC).
Protein change: p.Pro73fs; shifts the reading frame from proline 73.
Molecular consequence: frameshift variant. On other transcripts: 3 prime UTR variant (1).
Genome position (GRCh38, 1-based): chr5:146,339,645, C deleted; the last of 2 consecutive C bases (chr5:146,339,644-146,339,645); deleting either gives the same sequence. VCF-style (leftmost placement, unchanged base first): chr5-146339643-TC-T. GRCh37 (hg19) VCF-style: chr5-145719206-TC-T.
Other names: c.*87del (NM_001414499.1); short protein forms P73fs.
Identifiers: ClinVar variation 3651184 (VCV003651184.2).